The following is an entry in ClinVar:

ClinVar aggregate classification (germline): Conflicting classifications of pathogenicity. Review status: criteria provided, conflicting classifications (1 of 4 stars). 5 submissions from 5 submitters: Uncertain significance (4); Likely benign (1). Last evaluated 2026-09-01.

Conditions:
Familial thoracic aortic aneurysm and aortic dissection (TAAD). Also called: Thoracic aortic aneurysms and dissections. Identifiers: Orphanet 91387, MedGen C4707243, MONDO:0019625.
FG syndrome 2 (FGS2). Identifiers: MedGen C1845902, MONDO:0010297, OMIM 300321.
Oto-palato-digital syndrome, type II (OPD2). Also called: Otopalatodigital Syndrome, Type II; OPD II SYNDROME; Otopalatodigital Syndrome Type 2 (FLNA-OPD2); FACIOPALATOOSSEOUS SYNDROME. Identifiers: Orphanet 669, Orphanet 90652, MedGen C1844696, MONDO:0010571, OMIM 304120.
Frontometaphyseal dysplasia (FMD1). Identifiers: Orphanet 1826, MedGen C0265293, MONDO:0015942.
Heterotopia, periventricular, X-linked dominant (PVNH1). Also called: PERIVENTRICULAR NODULAR HETEROTOPIA 1; X-linked periventricular heterotopia; PERIVENTRICULAR NODULAR HETEROTOPIA 4; HETEROTOPIA, PERIVENTRICULAR, 1. Identifiers: Orphanet 2149, Orphanet 82004, MedGen C1848213, MONDO:0010233, OMIM 300049.
Melnick-Needles syndrome (MNS). Also called: OSTEODYSPLASTY OF MELNICK AND NEEDLES; Melnick-Needles Syndrome (FLNA-MNS); MELNICK-NEEDLES OSTEODYSPLASTY. Identifiers: Orphanet 2484, MedGen C0025237, MONDO:0010650, OMIM 309350.

Allele frequency attached by ClinVar (database versions not stated): gnomAD 0.00001; gnomAD exomes 0.00001 and below 0.00001; TOPMed 0.00001; ESP Exome Variant Server 0.00010; ExAC 0.00001.
gnomAD v4.1: 3 of 1,207,639 alleles (0.00025%); highest among the groups gnomAD compares: East Asian, 0.003%; no homozygotes.

Submissions (5):

CeGaT Center for Human Genetics Tuebingen
Classification: Uncertain significance. Last evaluated: 2026-09-01. Review status: criteria provided, single submitter. Criteria: CeGaT Center For Human Genetics Tuebingen Variant Classification Criteria Version 2. Collection method: clinical testing. Allele origin: germline. Affected: yes. Observed: 1 variant allele.

GeneDx
Classification: Uncertain significance. Last evaluated: 2026-04-02. Review status: criteria provided, single submitter. Criteria: GeneDx Variant Classification Process June 2021. Collection method: clinical testing. Allele origin: germline.
Comment: Reported as a heterozygous variant in a patient with generalized epilepsy in the published literature (PMID: 30986657); Reported in a patient with cystic kidney disease in the published literature who also harbored variants in other genes associated with cystic kidney disease (PMID: 35368817); Not observed at significant frequency in large population cohorts (gnomAD); In silico analysis supports that this missense variant has a deleterious effect on protein structure/function; This variant is associated with the following publications: (PMID: 35368817, 30986657)

Labcorp Genetics (formerly Invitae), Labcorp
Classification: Likely benign for Oto-palato-digital syndrome, type II; Heterotopia, periventricular, X-linked dominant; Frontometaphyseal dysplasia; Melnick-Needles syndrome. Last evaluated: 2023-04-27. Review status: criteria provided, single submitter. Criteria: Invitae Variant Classification Sherloc (09022015). Collection method: clinical testing. Allele origin: germline.

Ambry Genetics
Classification: Uncertain significance for Familial thoracic aortic aneurysm and aortic dissection. Last evaluated: 2021-07-23. Review status: criteria provided, single submitter. Criteria: Ambry Variant Classification Scheme 2023. Collection method: clinical testing. Allele origin: germline.
Comment: The p.R467C variant (also known as c.1399C>T), located in coding exon 8 of the FLNA gene, results from a C to T substitution at nucleotide position 1399. The arginine at codon 467 is replaced by cysteine, an amino acid with highly dissimilar properties. Based on data from gnomAD, the T allele has an overall frequency of 0.0005626% (1/177746) total alleles studied, with 0 hemizygote(s) observed. This amino acid position is not well conserved in available vertebrate species. In addition, the in silico prediction for this alteration is inconclusive. Since supporting evidence is limited at this time, the clinical significance of this alteration remains unclear.

Baylor Genetics
Classification: Uncertain significance for FG syndrome 2. Last evaluated: 2019-07-03. Review status: criteria provided, single submitter. Criteria: ACMG Guidelines, 2015. Collection method: clinical testing. Allele origin: unknown. Affected: yes.
Comment: This variant was determined to be of uncertain significance according to ACMG Guidelines, 2015 [PMID:25741868].

Literature cited by the submitters: PubMed 30986657 (cited by Ambry Genetics).

NM_001110556.2(FLNA):c.1399C>T (p.Arg467Cys)

Gene: FLNA (filamin A; minus strand). Cytogenetic location: Xq28.
Variant type: single nucleotide variant.
Coding change: c.1399C>T on transcript NM_001110556.2 (MANE Select); coding-DNA position 1399, C replaced by T.
Protein change: p.Arg467Cys; replaces arginine 467 with cysteine.
Molecular consequence: missense variant.
Genome position (GRCh38, 1-based): chrX:154,366,054, G>A on the plus strand (C>T on the coding strand, the complement: FLNA is on the minus strand). VCF-style: chrX-154366054-G-A. GRCh37 (hg19) VCF-style: chrX-153594422-G-A.
Other names: c.1399C>T, p.Arg467Cys (NM_001456.4); short protein forms R467C.
Identifiers: ClinVar variation 589369 (VCV000589369.11), dbSNP rs367948333, ClinGen allele CA10561192.